The following is an entry in ClinVar:

ClinVar aggregate classification (germline): Uncertain significance (1 of 4 stars; one submission).

Conditions:
Tuberous sclerosis 1 (TSC1). Identifiers: Orphanet 805, MedGen C1854465, MONDO:0008612, OMIM 191100.

Submission:

Labcorp Genetics (formerly Invitae), Labcorp
Classification: Uncertain significance for Tuberous sclerosis 1. Last evaluated: 2022-07-29. Review status: criteria provided, single submitter. Criteria: Invitae Variant Classification Sherloc (09022015). Collection method: clinical testing. Allele origin: germline.
Comment: This variant is a copy number gain that occurs in a non-coding region of the TSC1 gene. It does not change the encoded amino acid sequence of the TSC1 protein. This variant has not been reported in the literature in individuals affected with TSC1-related conditions. Experimental studies and prediction algorithms are not available or were not evaluated, and the functional significance of this variant is currently unknown. In summary, the available evidence is currently insufficient to determine the role of this variant in disease. Therefore, it has been classified as a Variant of Uncertain Significance.

NC_000009.11:g.(?_135819930)_(135820530_?)dup

Gene: TSC1 (TSC complex subunit 1; minus strand). Cytogenetic location: 9q34.13.
Variant type: Duplication.
Identifiers: ClinVar variation 644846 (VCV000644846.9).